The following is an entry in ClinVar:

NM_000138.5(FBN1):c.2138G>A (p.Ser713Asn)

Gene: FBN1 (fibrillin 1; minus strand). Cytogenetic location: 15q21.1.
Variant type: single nucleotide variant.
Coding change: c.2138G>A on transcript NM_000138.5 (MANE Select); coding-DNA position 2138, G replaced by A.
Protein change: p.Ser713Asn; replaces serine 713 with asparagine.
Molecular consequence: missense variant.
Genome position (GRCh38, 1-based): chr15:48,499,014, C>T on the plus strand (G>A on the coding strand, the complement: FBN1 is on the minus strand). VCF-style: chr15-48499014-C-T. GRCh37 (hg19) VCF-style: chr15-48791211-C-T.
Other names: c.2138G>A, p.Ser713Asn (NM_001406716.1); short protein forms S713N.
Identifiers: ClinVar variation 3386842 (VCV003386842.1).
Genomic context (GRCh38, chr15:48,499,014, plus strand): 5'-GAAGGTAGTAAATTTTGAAAGGAATCCTTACCACTGCCTGCTGACGTCATTCCTGGCCCA[C>T]TGCTGCAGAGTGCCTGATATTCCGCTGCAATAAATTAACAGATAGTAAATGATTCCCTTG-3'
Protein context (NP_000129.3, residues 703-723): NSAEYQALCS[Ser713Asn]GPGMTSAGSD

ClinVar aggregate classification (germline): Uncertain significance (1 of 4 stars; one submission).

Conditions:
Marfan syndrome (MFS). Also called: MARFAN SYNDROME, TYPE I; Marfan syndrome type 1; Marfan's syndrome; FBN1-Related Marfan Syndrome; Marfan syndrome, classic. Identifiers: Orphanet 284963, Orphanet 558, MedGen C0024796, MONDO:0007947, OMIM 154700.

Submission:

All of Us Research Program, National Institutes of Health
Classification: Uncertain significance for Marfan syndrome. Last evaluated: 2024-07-29. Review status: criteria provided, single submitter. Criteria: ACMG Guidelines, 2015. Collection method: clinical testing. Allele origin: germline. Inheritance: Autosomal dominant inheritance. Observed: 1 variant allele, 1 heterozygote.
Comment: This missense variant replaces serine with asparagine at codon 713 of the FBN1 protein. Computational prediction suggests that this variant may not impact protein structure and function (internally defined REVEL score threshold <= 0.5, PMID: 27666373). To our knowledge, functional studies have not been reported for this variant. This variant has not been reported in individuals affected with FBN1-related disorders in the literature. This variant has not been identified in the general population by the Genome Aggregation Database (gnomAD). The available evidence is insufficient to determine the role of this variant in disease conclusively. Therefore, this variant is classified as a Variant of Uncertain Significance.

This study involves interpretation of variants in research participants for the purpose of population health screening. Participant phenotype was not available at the time of variant classification. Additional details can be found in publication PMID: 35346344, PMCID: PMC8962531